The following is an entry in ClinVar:

ClinVar aggregate classification (germline): Conflicting classifications of pathogenicity. Review status: criteria provided, conflicting classifications (1 of 4 stars). 2 submissions from 2 submitters: Uncertain significance (1); Benign (1). Last evaluated 2026-05-18.

Conditions:
KINSSHIP syndrome. Also called: MESOMELIC DYSPLASIA, STEICHEN-GERSDORF TYPE; MESOMELIC DYSPLASIA, AFF3-RELATED. Identifiers: MedGen C5543317, MONDO:0851095, OMIM 619297.

Submissions (2):

Women's Health and Genetics/Laboratory Corporation of America, LabCorp
Classification: Uncertain significance. Last evaluated: 2026-05-18. Review status: criteria provided, single submitter. Criteria: LabCorp Variant Classification Summary - May 2015. Collection method: clinical testing. Allele origin: germline.
Comment: Variant summary: AFF3 c.1781_1787delinsG (p.Thr594_Ala596delinsSer) results in an in-frame deletion-insertion that is predicted to delete 3 and insert 1 amino acids from the protein. The variant was absent in 1550618 control chromosomes. The available data on variant occurrences in the general population are insufficient to allow any conclusion about variant significance. To our knowledge, no occurrence of c.1781_1787delinsG in individuals affected with AFF3-related conditions and no experimental evidence demonstrating its impact on protein function have been reported. ClinVar contains an entry for this variant (Variation ID: 3584224). Based on the evidence outlined above, the variant was classified as uncertain significance.

Fulgent Genetics
Classification: Benign for KINSSHIP syndrome. Last evaluated: 2024-05-09. Review status: criteria provided, single submitter. Criteria: ACMG Guidelines, 2015. Collection method: clinical testing. Allele origin: germline.

NM_001386135.1(AFF3):c.1781_1787delinsG (p.Thr594_Ala596delinsSer)

Gene: AFF3 (ALF transcription elongation factor 3; minus strand). Cytogenetic location: 2q11.2.
Variant type: Indel.
Coding change: c.1781_1787delinsG on transcript NM_001386135.1 (MANE Select); coding-DNA positions 1781 to 1787, CCTCAGC replaced by G.
Protein change: p.Thr594_Ala596delinsSer.
Molecular consequence: inframe indel.
Genome position (GRCh38, 1-based): chr2:99,593,874-99,593,880, GCTGAGG replaced by C on the plus strand (CCTCAGC replaced by G on the coding strand, the reverse complement: AFF3 is on the minus strand). VCF-style: chr2-99593874-GCTGAGG-C. GRCh37 (hg19) VCF-style: chr2-100210336-GCTGAGG-C.
Other names: c.1856_1862delinsG, p.Thr619_Ala621delinsSer (NM_001025108.2); c.1781_1787delinsG, p.Thr594_Ala596delinsSer (NM_002285.3).
Identifiers: ClinVar variation 3584224 (VCV003584224.2).